The following is an entry in ClinVar:

ClinVar aggregate classification (germline): Uncertain significance (1 of 4 stars; one submission).

Allele frequency attached by ClinVar (database versions not stated): gnomAD exomes below 0.00001 and 0.00002; ExAC 0.00001; gnomAD 0.00001; TOPMed 0.00002.
gnomAD v4.1: 38 of 1,613,854 alleles (0.0024%); highest among the groups gnomAD compares: Non-Finnish European, 0.0029%; no homozygotes.

Submission:

Labcorp Genetics (formerly Invitae), Labcorp
Classification: Uncertain significance. Last evaluated: 2022-08-23. Review status: criteria provided, single submitter. Criteria: Invitae Variant Classification Sherloc (09022015). Collection method: clinical testing. Allele origin: germline.
Comment: This variant is present in population databases (rs770576914, gnomAD 0.0009%). This variant has not been reported in the literature in individuals affected with ASXL2-related conditions. ClinVar contains an entry for this variant (Variation ID: 1469901). Algorithms developed to predict the effect of missense changes on protein structure and function output the following: SIFT: "Tolerated"; PolyPhen-2: "Not Available"; Align-GVGD: "Class C0". The leucine amino acid residue is found in multiple mammalian species, which suggests that this missense change does not adversely affect protein function. In summary, the available evidence is currently insufficient to determine the role of this variant in disease. Therefore, it has been classified as a Variant of Uncertain Significance. This sequence change replaces proline, which is neutral and non-polar, with leucine, which is neutral and non-polar, at codon 808 of the ASXL2 protein (p.Pro808Leu).

NM_018263.6(ASXL2):c.2423C>T (p.Pro808Leu)

Gene: ASXL2 (ASXL transcriptional regulator 2; minus strand). Cytogenetic location: 2p23.3.
Variant type: single nucleotide variant.
Coding change: c.2423C>T on transcript NM_018263.6 (MANE Select); coding-DNA position 2423, C replaced by T.
Protein change: p.Pro808Leu; replaces proline 808 with leucine.
Molecular consequence: missense variant.
Genome position (GRCh38, 1-based): chr2:25,743,914, G>A on the plus strand (C>T on the coding strand, the complement: ASXL2 is on the minus strand). VCF-style: chr2-25743914-G-A. GRCh37 (hg19) VCF-style: chr2-25966783-G-A.
Other names: c.2249C>T, p.Pro750Leu (NM_001369346.1); c.1643C>T, p.Pro548Leu (NM_001369347.1); short protein forms P750L, P808L, P548L.
Identifiers: ClinVar variation 1469901 (VCV001469901.7), dbSNP rs770576914, ClinGen allele CA1557632.